The following is an entry in ClinVar:

ClinVar aggregate classification (germline): Uncertain significance (1 of 4 stars; one submission).

gnomAD v4.1: 3 of 1,612,192 alleles (0.00019%); highest among the groups gnomAD compares: Non-Finnish European, 0.00025%; no homozygotes.

Submission:

CeGaT Center for Human Genetics Tuebingen
Classification: Uncertain significance. Last evaluated: 2026-07-01. Review status: criteria provided, single submitter. Criteria: CeGaT Center For Human Genetics Tuebingen Variant Classification Criteria Version 2. Collection method: clinical testing. Allele origin: germline. Affected: yes. Observed: 1 variant allele.
Comment: IFITM5: PM2:Supporting

NM_001025295.3(IFITM5):c.374A>T (p.Lys125Met)

Gene: IFITM5 (interferon induced transmembrane protein 5; minus strand). Cytogenetic location: 11p15.5.
Variant type: single nucleotide variant.
Coding change: c.374A>T on transcript NM_001025295.3 (MANE Select); coding-DNA position 374, A replaced by T.
Protein change: p.Lys125Met; replaces lysine 125 with methionine.
Molecular consequence: missense variant.
Genome position (GRCh38, 1-based): chr11:298,526, T>A on the plus strand (A>T on the coding strand, the complement: IFITM5 is on the minus strand). VCF-style: chr11-298526-T-A. GRCh37 (hg19) VCF-style: chr11-298526-T-A.
Other names: short protein forms K125M.
Identifiers: ClinVar variation 5040344 (VCV005040344.1).
Genomic context (GRCh38, chr11:298,526, plus strand): 5'-CCTGGGGCTAGTGCCCCAGATCAGGACCCAGCCTGTCAGTCATAGTCCGCGTCATCAAAC[T>A]TGGTGCTGAAGAAGGCGGCAGAGTCCTTGGCCAGCCGGGCCAGGTGCAGGGCACCAGTCA-3'
Protein context (NP_001020466.1, residues 115-132): AKDSAAFFST[Lys125Met]FDDADYD